The following is an entry in ClinVar:

NM_004360.5(CDH1):c.1726A>G (p.Thr576Ala)

Gene: CDH1 (cadherin 1; plus strand). Cytogenetic location: 16q22.1.
Variant type: single nucleotide variant.
Coding change: c.1726A>G on transcript NM_004360.5 (MANE Select); coding-DNA position 1726, A replaced by G.
Protein change: p.Thr576Ala; replaces threonine 576 with alanine.
Molecular consequence: missense variant. On other transcripts: 5 prime UTR variant (1).
Genome position (GRCh38, 1-based): chr16:68,822,015, A>G. VCF-style: chr16-68822015-A-G. GRCh37 (hg19) VCF-style: chr16-68855918-A-G.
Other names: c.1726A>G (LRG_301t1); c.1543A>G, p.Thr515Ala (NM_001317184.2); c.178A>G, p.Thr60Ala (NM_001317185.2); c.-240A>G (NM_001317186.2); short protein forms T576A, T515A, T60A.
Identifiers: ClinVar variation 421116 (VCV000421116.6), dbSNP rs759536558, ClinGen allele CA16620253.

ClinVar aggregate classification (germline): Uncertain significance. Review status: criteria provided, multiple submitters, no conflicts (2 of 4 stars). 3 submissions from 3 submitters: Uncertain significance (3). Last evaluated 2025-04-13.

Conditions:
Hereditary cancer-predisposing syndrome. Also called: Hereditary neoplastic syndrome; Hereditary Cancer Syndrome; Neoplastic Syndromes, Hereditary; Tumor predisposition. Identifiers: Orphanet 140162, MedGen C0027672, MeSH D009386, MONDO:0015356.
Hereditary diffuse gastric adenocarcinoma (HDGC). Also called: DIFFUSE GASTRIC AND LOBULAR BREAST CANCER SYNDROME. Identifiers: Orphanet 26106, MedGen C1708349, MONDO:0007648, OMIM 137215.

Submissions (3):

Labcorp Genetics (formerly Invitae), Labcorp
Classification: Uncertain significance for Hereditary diffuse gastric adenocarcinoma. Last evaluated: 2025-04-13. Review status: criteria provided, single submitter. Criteria: Invitae Variant Classification Sherloc (09022015). Collection method: clinical testing. Allele origin: germline.
Comment: This sequence change replaces threonine, which is neutral and polar, with alanine, which is neutral and non-polar, at codon 576 of the CDH1 protein (p.Thr576Ala). This variant is not present in population databases (gnomAD no frequency). This variant has not been reported in the literature in individuals affected with CDH1-related conditions. ClinVar contains an entry for this variant (Variation ID: 421116). An algorithm developed to predict the effect of missense changes on protein structure and function (PolyPhen-2) suggests that this variant is likely to be tolerated. In summary, the available evidence is currently insufficient to determine the role of this variant in disease. Therefore, it has been classified as a Variant of Uncertain Significance.

Ambry Genetics
Classification: Uncertain significance for Hereditary cancer-predisposing syndrome. Last evaluated: 2024-09-17. Review status: criteria provided, single submitter. Criteria: Ambry Variant Classification Scheme 2023. Collection method: clinical testing. Allele origin: germline.
Comment: The p.T576A variant (also known as c.1726A>G), located in coding exon 12 of the CDH1 gene, results from an A to G substitution at nucleotide position 1726. The threonine at codon 576 is replaced by alanine, an amino acid with similar properties. This amino acid position is highly conserved in available vertebrate species. In addition, this alteration is predicted to be tolerated by in silico analysis. Based on the available evidence, the clinical significance of this variant remains unclear.

GeneDx
Classification: Uncertain significance. Last evaluated: 2016-05-03. Review status: criteria provided, single submitter. Criteria: GeneDx Variant Classification (06012015). Collection method: clinical testing. Allele origin: germline. Affected: yes.
Comment: This variant is denoted CDH1 c.1726A>G at the cDNA level, p.Thr576Ala (T576A) at the protein level, and results in the change of a Threonine to an Alanine (ACT>GCT). This variant has not, to our knowledge, been published in the literature as pathogenic or benign. CDH1 Thr576Ala was not observed in approximately 6,500 individuals of European and African American ancestry in the NHLBI Exome Sequencing Project, suggesting it is not a common benign variant in these populations. Since Threonine and Alanine differ in polarity, charge, size or other properties, this is considered a non-conservative amino acid substitution. CDH1 Thr576Ala occurs at a position that is conserved across species and is located in the Cadherin 4 domain (UniProt). In silico analyses predict that this variant is probably damaging to protein structure and function. Based on currently available evidence, it is unclear whether CDH1 Thr576Ala is a pathogenic or benign variant. We consider it to be a variant of uncertain significance.